The following is an entry in ClinVar:

NM_006915.3(RP2):c.852dup (p.Ala285fs)

Gene: RP2 (RP2 activator of ARL3 GTPase; plus strand). Cytogenetic location: Xp11.3.
Variant type: Duplication.
Coding change: c.852dup on transcript NM_006915.3 (MANE Select); coding-DNA position 852, one base duplicated (A; older notation c.852dupA).
Protein change: p.Ala285fs; shifts the reading frame from alanine 285.
Molecular consequence: frameshift variant.
Genome position (GRCh38, 1-based): chrX:46,860,071, A duplicated; the last of 5 consecutive A bases (chrX:46,860,067-46,860,071); duplicating any one gives the same sequence. VCF-style (leftmost placement, unchanged base first): chrX-46860066-G-GA. GRCh37 (hg19) VCF-style: chrX-46719501-G-GA.
Other names: short protein forms A285fs.
Identifiers: ClinVar variation 1405673 (VCV001405673.6), dbSNP rs2147083258, ClinGen allele CA2573158919.

ClinVar aggregate classification (germline): Pathogenic (1 of 4 stars; one submission).

Submission:

Labcorp Genetics (formerly Invitae), Labcorp
Classification: Pathogenic. Last evaluated: 2021-03-26. Review status: criteria provided, single submitter. Criteria: Invitae Variant Classification Sherloc (09022015). Collection method: clinical testing. Allele origin: germline.
Comment: For these reasons, this variant has been classified as Pathogenic. This variant has not been reported in the literature in individuals with RP2-related conditions. This variant is not present in population databases (ExAC no frequency). This sequence change creates a premature translational stop signal (p.Ala285Serfs*3) in the RP2 gene. It is expected to result in an absent or disrupted protein product. Loss-of-function variants in RP2 are known to be pathogenic (PMID: 11992260, 20625056).

Literature cited by the submitters: PubMed 11992260; PubMed 20625056.